The following is an entry in ClinVar:

NM_006939.4(SOS2):c.2675A>C (p.Gln892Pro)

Gene: SOS2 (SOS Ras/Rho guanine nucleotide exchange factor 2; minus strand). Cytogenetic location: 14q21.3.
Variant type: single nucleotide variant.
Coding change: c.2675A>C on transcript NM_006939.4 (MANE Select); coding-DNA position 2675, A replaced by C.
Protein change: p.Gln892Pro; replaces glutamine 892 with proline.
Molecular consequence: missense variant.
Genome position (GRCh38, 1-based): chr14:50,140,052, T>G on the plus strand (A>C on the coding strand, the complement: SOS2 is on the minus strand). VCF-style: chr14-50140052-T-G. GRCh37 (hg19) VCF-style: chr14-50606770-T-G.
Other names: c.2576A>C, p.Gln859Pro (NM_001411020.1); short protein forms Q859P, Q892P.
Identifiers: ClinVar variation 1794599 (VCV001794599.2), dbSNP rs2502886415, ClinGen allele CA389642852.

ClinVar aggregate classification (germline): Uncertain significance (1 of 4 stars; one submission).

Conditions:
Cardiovascular phenotype. Identifiers: MedGen CN230736.

Submission:

Ambry Genetics
Classification: Uncertain significance for Cardiovascular phenotype. Last evaluated: 2021-09-14. Review status: criteria provided, single submitter. Criteria: Ambry Variant Classification Scheme 2023. Collection method: clinical testing. Allele origin: germline.
Comment: The p.Q892P variant (also known as c.2675A>C), located in coding exon 17 of the SOS2 gene, results from an A to C substitution at nucleotide position 2675. The glutamine at codon 892 is replaced by proline, an amino acid with similar properties. This amino acid position is conserved. In addition, this alteration is predicted to be tolerated by in silico analysis. Since supporting evidence is limited at this time, the clinical significance of this alteration remains unclear.